The following is an entry in ClinVar:

NM_004982.4(KCNJ8):c.765G>C (p.Glu255Asp)

Genes: KCNJ8 (potassium inwardly rectifying channel subfamily J member 8; minus strand), KCNJ8-AS1 (KCNJ8 antisense RNA 1; plus strand). Cytogenetic location: 12p12.1.
Variant type: single nucleotide variant.
Coding change: c.765G>C on transcript NM_004982.4 (MANE Select); coding-DNA position 765, G replaced by C.
Protein change: p.Glu255Asp; replaces glutamic acid 255 with aspartic acid.
Molecular consequence: missense variant.
Genome position (GRCh38, 1-based): chr12:21,766,233, C>G on the plus strand (G>C on the coding strand, the complement: KCNJ8 is on the minus strand). VCF-style: chr12-21766233-C-G. GRCh37 (hg19) VCF-style: chr12-21919167-C-G.
Identifiers: ClinVar variation 1760026 (VCV001760026.4), dbSNP rs1468266637, ClinGen allele CA384124531.

ClinVar aggregate classification (germline): Uncertain significance. Review status: criteria provided, multiple submitters, no conflicts (2 of 4 stars). 2 submissions from 2 submitters: Uncertain significance (2). Last evaluated 2024-09-02.

Conditions:
Brugada syndrome. Also called: Sudden unexpected nocturnal death syndrome; Sudden unexplained nocturnal death syndrome; Sudden Unexplained Death Syndrome; Sudden Unexplained Nocturnal Death Syndrome (SUNDS). Identifiers: Orphanet 130, MedGen C1142166, MONDO:0015263.
Cardiovascular phenotype. Identifiers: MedGen CN230736.

Allele frequency attached by ClinVar (database versions not stated): gnomAD exomes 0.00001.
gnomAD v4.1: 12 of 1,614,066 alleles (0.00074%); highest among the groups gnomAD compares: Non-Finnish European, 0.001%; no homozygotes.

Submissions (2):

Labcorp Genetics (formerly Invitae), Labcorp
Classification: Uncertain significance for Brugada syndrome. Last evaluated: 2024-09-02. Review status: criteria provided, single submitter. Criteria: Invitae Variant Classification Sherloc (09022015). Collection method: clinical testing. Allele origin: germline.
Comment: This sequence change replaces glutamic acid, which is acidic and polar, with aspartic acid, which is acidic and polar, at codon 255 of the KCNJ8 protein (p.Glu255Asp). This variant is present in population databases (no rsID available, gnomAD 0.0009%). This variant has not been reported in the literature in individuals affected with KCNJ8-related conditions. ClinVar contains an entry for this variant (Variation ID: 1760026). Invitae Evidence Modeling of protein sequence and biophysical properties (such as structural, functional, and spatial information, amino acid conservation, physicochemical variation, residue mobility, and thermodynamic stability) indicates that this missense variant is not expected to disrupt KCNJ8 protein function with a negative predictive value of 80%. In summary, the available evidence is currently insufficient to determine the role of this variant in disease. Therefore, it has been classified as a Variant of Uncertain Significance.

Ambry Genetics
Classification: Uncertain significance for Cardiovascular phenotype. Last evaluated: 2021-11-24. Review status: criteria provided, single submitter. Criteria: Ambry Variant Classification Scheme 2023. Collection method: clinical testing. Allele origin: germline.
Comment: The p.E255D variant (also known as c.765G>C), located in coding exon 2 of the KCNJ8 gene, results from a G to C substitution at nucleotide position 765. The glutamic acid at codon 255 is replaced by aspartic acid, an amino acid with highly similar properties. This amino acid position is conserved. In addition, this alteration is predicted to be tolerated by in silico analysis. Since supporting evidence is limited at this time, the clinical significance of this alteration remains unclear.